The following is an entry in ClinVar:

ClinVar aggregate classification (germline): Uncertain significance (1 of 4 stars; one submission).

Conditions:
Mucopolysaccharidosis, MPS-III-B (MPS3B). Also called: MPS IIIB (Sanfilippo Syndrome Type B); N-ACETYL-ALPHA-D-GLUCOSAMINIDASE DEFICIENCY; NAGLU DEFICIENCY; SANFILIPPO SYNDROME B; MPS III B; Mucopolysaccharidosis type IIIB (Sanfilippo B). Identifiers: Orphanet 79270, MedGen C0086648, MONDO:0009656, OMIM 252920.
Charcot-Marie-Tooth disease axonal type 2V. Also called: CHARCOT-MARIE-TOOTH NEUROPATHY, TYPE 2V; CHARCOT-MARIE-TOOTH DISEASE, AXONAL, AUTOSOMAL DOMINANT, TYPE 2V. Identifiers: Orphanet 447964, MedGen C5569050, MONDO:0014665, OMIM 616491.

Submission:

Labcorp Genetics (formerly Invitae), Labcorp
Classification: Uncertain significance for Charcot-Marie-Tooth disease axonal type 2V; Mucopolysaccharidosis, MPS-III-B. Last evaluated: 2025-12-09. Review status: criteria provided, single submitter. Criteria: Invitae Variant Classification Sherloc (09022015). Collection method: clinical testing. Allele origin: germline.
Comment: This sequence change replaces cysteine, which is neutral and slightly polar, with glycine, which is neutral and non-polar, at codon 136 of the NAGLU protein (p.Cys136Gly). This variant is not present in population databases (gnomAD no frequency). This variant has not been reported in the literature in individuals affected with NAGLU-related conditions. Invitae Evidence Modeling of protein sequence and biophysical properties (such as structural, functional, and spatial information, amino acid conservation, physicochemical variation, residue mobility, and thermodynamic stability) indicates that this missense variant is expected to disrupt NAGLU protein function with a positive predictive value of 95%. In summary, the available evidence is currently insufficient to determine the role of this variant in disease. Therefore, it has been classified as a Variant of Uncertain Significance.

NM_000263.4(NAGLU):c.406T>G (p.Cys136Gly)

Gene: NAGLU (N-acetyl-alpha-glucosaminidase; plus strand). Cytogenetic location: 17q21.2.
Variant type: single nucleotide variant.
Coding change: c.406T>G on transcript NM_000263.4 (MANE Select); coding-DNA position 406, T replaced by G.
Protein change: p.Cys136Gly; replaces cysteine 136 with glycine.
Molecular consequence: missense variant.
Genome position (GRCh38, 1-based): chr17:42,537,420, T>G. VCF-style: chr17-42537420-T-G. GRCh37 (hg19) VCF-style: chr17-40689438-T-G.
Other names: short protein forms C136G.
Identifiers: ClinVar variation 4791834 (VCV004791834.1).
Genomic context (GRCh38, chr17:42,537,420, plus strand): 5'-AGGGTGGGATGCGCCCCTGCTCATGACACTGCCCGCAGGTACCGCTATTACCAGAATGTG[T>G]GCACGCAAAGCTACTCTTTCGTGTGGTGGGACTGGGCCCGCTGGGAGCGAGAGATAGACT-3'
Protein context (NP_000254.2, residues 126-146): PNRYRYYQNV[Cys136Gly]TQSYSFVWWD